The following is an entry in ClinVar:

ClinVar aggregate classification (germline): Uncertain significance (1 of 4 stars; one submission).

gnomAD v4.1: 3 of 1,614,022 alleles (0.00019%); highest among the groups gnomAD compares: Non-Finnish European, 0.00025%; no homozygotes.

Submission:

Ambry Genetics
Classification: Uncertain significance. Last evaluated: 2025-02-28. Review status: criteria provided, single submitter. Criteria: Ambry Variant Classification Scheme 2023. Collection method: clinical testing. Allele origin: germline.
Comment: The p.E337A variant (also known as c.1010A>C), located in coding exon 1 of the TET2 gene, results from an A to C substitution at nucleotide position 1010. The glutamic acid at codon 337 is replaced by alanine, an amino acid with dissimilar properties. This amino acid position is conserved. In addition, this alteration is predicted to be tolerated by in silico analysis. Based on the available evidence, the clinical significance of this variant remains unclear.

NM_001127208.3(TET2):c.1010A>C (p.Glu337Ala)

Genes: TET2 (tet methylcytosine dioxygenase 2; plus strand), TET2-AS1 (TET2 antisense RNA 1; minus strand). Cytogenetic location: 4q24.
Variant type: single nucleotide variant.
Coding change: c.1010A>C on transcript NM_001127208.3 (MANE Select); coding-DNA position 1010, A replaced by C.
Protein change: p.Glu337Ala; replaces glutamic acid 337 with alanine.
Molecular consequence: missense variant.
Genome position (GRCh38, 1-based): chr4:105,234,952, A>C. VCF-style: chr4-105234952-A-C. GRCh37 (hg19) VCF-style: chr4-106156109-A-C.
Other names: c.1010A>C, p.Glu337Ala (NM_017628.4); short protein forms E337A.
Identifiers: ClinVar variation 3806094 (VCV003806094.1).